The following is an entry in ClinVar:

NM_000404.4(GLB1):c.1784G>A (p.Arg595Gln)

Gene: GLB1 (galactosidase beta 1; minus strand). Cytogenetic location: 3p22.3.
Variant type: single nucleotide variant.
Coding change: c.1784G>A on transcript NM_000404.4 (MANE Select); coding-DNA position 1784, G replaced by A.
Protein change: p.Arg595Gln; replaces arginine 595 with glutamine.
Molecular consequence: missense variant. On other transcripts: intron variant (1).
Genome position (GRCh38, 1-based): chr3:32,997,295, C>T on the plus strand (G>A on the coding strand, the complement: GLB1 is on the minus strand). VCF-style: chr3-32997295-C-T. GRCh37 (hg19) VCF-style: chr3-33038787-C-T.
Other names: c.1694G>A, p.Arg565Gln (NM_001079811.3); c.1784G>A (NM_000404.2); c.1391G>A, p.Arg464Gln (NM_001135602.3); c.1928G>A, p.Arg643Gln (NM_001317040.2); c.1734+16761G>A (NM_001393580.1); short protein forms R464Q, R565Q, R595Q, R643Q.
Identifiers: ClinVar variation 1210419 (VCV001210419.7), dbSNP rs199694629, ClinGen allele CA2299296.

ClinVar aggregate classification (germline): Uncertain significance. Review status: criteria provided, multiple submitters, no conflicts (2 of 4 stars). 6 submissions from 3 submitters: Uncertain significance (6). Last evaluated 2024-06-10.

Conditions:
Inborn genetic diseases. Identifiers: MedGen C0950123, MeSH D030342.
GM1 gangliosidosis. Identifiers: Orphanet 354, MedGen C0085131, MONDO:0018149.
Mucopolysaccharidosis, MPS-IV-B (MPS4B). Also called: MORQUIO SYNDROME B; Mucopolysaccharidosis type IV B; Mucopolysaccharidosis Type IVB; Mucopolysaccharidosis type 4B; Mucopolysaccharidosis Type IVB (Morquio B Disease); Mucopolysaccharidosis type IVB (Morquio). Identifiers: Orphanet 309310, Orphanet 582, MedGen C0086652, MONDO:0009660, OMIM 253010.
GM1 gangliosidosis type 2. Also called: GM1-GANGLIOSIDOSIS, TYPE II; GANGLIOSIDOSIS, GENERALIZED GM1, JUVENILE TYPE; GANGLIOSIDOSIS, GENERALIZED GM1, TYPE II; Gangliosidosis, Generalized GM1, Type 2; Juvenile GM>1< gangliosidosis. Identifiers: Orphanet 354, Orphanet 79256, MedGen C0268272, MONDO:0009261, OMIM 230600.
Infantile GM1 gangliosidosis. Also called: GM1-gangliosidosis, type I; Gangliosidosis, generalized GM1, infantile form; GLB1 deficiency; GM1 gangliosidosis type 1; Gangliosidosis, Generalized GM1, Type 1. Identifiers: Orphanet 354, Orphanet 79255, MedGen C0268271, MONDO:0009260, OMIM 230500.
GM1 gangliosidosis type 3. Also called: GM1-GANGLIOSIDOSIS, TYPE III; GANGLIOSIDOSIS, GENERALIZED GM1, ADULT TYPE; GANGLIOSIDOSIS, GENERALIZED GM1, CHRONIC TYPE; GANGLIOSIDOSIS, GENERALIZED GM1, TYPE III; Gangliosidosis, Generalized GM1, Type 3; Beta-galactosidase deficiency. Identifiers: Orphanet 79257, MedGen C0268273, MONDO:0009262, OMIM 230650.

Allele frequency attached by ClinVar (database versions not stated): ExAC 0.00007.
gnomAD v4.1: 49 of 1,613,906 alleles (0.003%); highest among the groups gnomAD compares: Middle Eastern, 0.017%; no homozygotes.

Submissions (6):

Ambry Genetics
Classification: Uncertain significance for Inborn genetic diseases. Last evaluated: 2024-06-10. Review status: criteria provided, single submitter. Criteria: Ambry Variant Classification Scheme 2023. Collection method: clinical testing. Allele origin: germline.

Labcorp Genetics (formerly Invitae), Labcorp
Classification: Uncertain significance for Mucopolysaccharidosis, MPS-IV-B; GM1 gangliosidosis. Last evaluated: 2022-03-28. Review status: criteria provided, single submitter. Criteria: Invitae Variant Classification Sherloc (09022015). Collection method: clinical testing. Allele origin: germline.
Comment: This sequence change replaces arginine, which is basic and polar, with glutamine, which is neutral and polar, at codon 595 of the GLB1 protein (p.Arg595Gln). This variant is present in population databases (rs199694629, gnomAD 0.03%). This variant has not been reported in the literature in individuals affected with GLB1-related conditions. ClinVar contains an entry for this variant (Variation ID: 1210419). Advanced modeling of protein sequence and biophysical properties (such as structural, functional, and spatial information, amino acid conservation, physicochemical variation, residue mobility, and thermodynamic stability) performed at Invitae indicates that this missense variant is not expected to disrupt GLB1 protein function. In summary, the available evidence is currently insufficient to determine the role of this variant in disease. Therefore, it has been classified as a Variant of Uncertain Significance.

Genome-Nilou Lab
Classification: Uncertain significance for Infantile GM1 gangliosidosis. Last evaluated: 2021-07-22. Review status: criteria provided, single submitter. Criteria: ACMG Guidelines, 2015. Collection method: clinical testing. Allele origin: germline. Affected: no.

Genome-Nilou Lab
Classification: Uncertain significance for GM1 gangliosidosis type 2. Last evaluated: 2021-07-22. Review status: criteria provided, single submitter. Criteria: ACMG Guidelines, 2015. Collection method: clinical testing. Allele origin: germline. Affected: no.

Genome-Nilou Lab
Classification: Uncertain significance for GM1 gangliosidosis type 3. Last evaluated: 2021-07-22. Review status: criteria provided, single submitter. Criteria: ACMG Guidelines, 2015. Collection method: clinical testing. Allele origin: germline. Affected: no.

Genome-Nilou Lab
Classification: Uncertain significance for Mucopolysaccharidosis, MPS-IV-B. Last evaluated: 2021-07-22. Review status: criteria provided, single submitter. Criteria: ACMG Guidelines, 2015. Collection method: clinical testing. Allele origin: germline. Affected: no.